The following is an entry in ClinVar:

ClinVar aggregate classification (germline): Uncertain significance. Review status: criteria provided, multiple submitters, no conflicts (2 of 4 stars). 3 submissions from 3 submitters: Uncertain significance (3). Last evaluated 2021-09-07.

Conditions:
Cardiac arrhythmia, ankyrin-B-related. Also called: ANKYRIN-B SYNDROME. Identifiers: Orphanet 101016, Orphanet 768, MedGen C1970119, MONDO:0010958, OMIM 600919.
Long QT syndrome (LQTS). Identifiers: MedGen C0023976, MeSH D008133, MONDO:0002442. Disease mechanism: loss of function. Inheritance: Various modes of inheritance.

Allele frequency attached by ClinVar (database versions not stated): TOPMed below 0.00001; gnomAD 0.00001; gnomAD exomes 0.00001 and 0.00002; ExAC 0.00003.
gnomAD v4.1: 18 of 1,613,986 alleles (0.0011%); highest among the groups gnomAD compares: South Asian, 0.0044%; no homozygotes.

Submissions (3):

Fulgent Genetics
Classification: Uncertain significance for Cardiac arrhythmia, ankyrin-B-related. Last evaluated: 2021-09-07. Review status: criteria provided, single submitter. Criteria: ACMG Guidelines, 2015. Collection method: clinical testing. Allele origin: unknown.

Labcorp Genetics (formerly Invitae), Labcorp
Classification: Uncertain significance for Long QT syndrome. Last evaluated: 2018-08-09. Review status: criteria provided, single submitter. Criteria: Invitae Variant Classification Sherloc (09022015). Collection method: clinical testing. Allele origin: germline.
Comment: In summary, the available evidence is currently insufficient to determine the role of this variant in disease. Therefore, it has been classified as a Variant of Uncertain Significance. Algorithms developed to predict the effect of missense changes on protein structure and function do not agree on the potential impact of this missense change (SIFT: "Tolerated"; PolyPhen-2: "Probably Damaging"; Align-GVGD: "Class C0"). This variant has not been reported in the literature in individuals with ANK2-related disease. ClinVar contains an entry for this variant (Variation ID: 451281). This variant is present in population databases (rs754378659, ExAC 0.006%). This sequence change replaces serine with cysteine at codon 2956 of the ANK2 protein (p.Ser2956Cys). The serine residue is weakly conserved and there is a moderate physicochemical difference between serine and cysteine.

GeneDx
Classification: Uncertain significance. Last evaluated: 2017-08-11. Review status: criteria provided, single submitter. Criteria: GeneDx Variant Classification (06012015). Collection method: clinical testing. Allele origin: germline. Affected: yes.
Comment: A variant of uncertain significance has been identified in the ANK2 gene. The S2956C variant has not been published as pathogenic or been reported as benign to our knowledge. The S2956C variant is not observed at a significant frequency in large population cohorts (Lek et al., 2016; 1000 Genomes Consortium et al., 2015; Exome Variant Server). The S2956C variant is a non-conservative amino acid substitution, which is likely to impact secondary protein structure as these residues differ in polarity, charge, size and/or other properties. This substitution occurs at a position that is conserved across species and in silico analysis predicts this variant is probably damaging to the protein structure/function. Nevertheless, there are no nearby missense variants reported in the Human Gene Mutation Database (Stenson et al., 2014) and this variant is not within any known functional domain.

NM_001148.6(ANK2):c.8867C>G (p.Ser2956Cys)

Gene: ANK2 (ankyrin 2; plus strand). Cytogenetic location: 4q26.
Variant type: single nucleotide variant.
Coding change: c.8867C>G on transcript NM_001148.6 (MANE Select); coding-DNA position 8867, C replaced by G.
Protein change: p.Ser2956Cys; replaces serine 2956 with cysteine.
Molecular consequence: missense variant. On other transcripts: intron variant (68).
Genome position (GRCh38, 1-based): chr4:113,357,485, C>G. VCF-style: chr4-113357485-C-G. GRCh37 (hg19) VCF-style: chr4-114278641-C-G.
Other names: c.8633C>G, p.Ser2878Cys (NM_001386142.1); c.5267C>G, p.Ser1756Cys (NM_001386166.1); c.9008C>G, p.Ser3003Cys (NM_001386174.1); c.8984C>G, p.Ser2995Cys (NM_001386175.1); c.4412-3338C>G (NM_001386186.2, NM_001386148.2); c.4214-3338C>G (NM_001354269.3); c.4292-3338C>G (NM_001386187.2); c.4253-3338C>G (NM_001386147.1); and 35 more; short protein forms S2956C, S1756C, S2878C, S2995C, S3003C.
Identifiers: ClinVar variation 451281 (VCV000451281.20), dbSNP rs754378659, ClinGen allele CA3051840.
Genomic context (GRCh38, chr4:113,357,485, plus strand): 5'-TTTTCTCTAGTGAAGAAAGCAAAACCCAAACAGATGCAAATCACACCACAAGTTTTCACT[C>G]TTCTGAAGTGTATTCTGTTACCATCACATCCCCTGTTGAAGACGTTGTAGTGGCAAGCTC-3'
Protein context (NP_001139.3, residues 2946-2966): TDANHTTSFH[Ser2956Cys]SEVYSVTITS